The following is an entry in ClinVar:

NM_000553.6(WRN):c.373A>G (p.Lys125Glu)

Gene: WRN (WRN RecQ like helicase; plus strand). Cytogenetic location: 8p12.
Variant type: single nucleotide variant.
Coding change: c.373A>G on transcript NM_000553.6 (MANE Select); coding-DNA position 373, A replaced by G.
Protein change: p.Lys125Glu; replaces lysine 125 with glutamic acid.
Molecular consequence: missense variant.
Genome position (GRCh38, 1-based): chr8:31,064,932, A>G. VCF-style: chr8-31064932-A-G. GRCh37 (hg19) VCF-style: chr8-30922448-A-G.
Other names: short protein forms K125E.
Identifiers: ClinVar variation 156353 (VCV000156353.8), dbSNP rs267607007, ClinGen allele CA270773.

ClinVar aggregate classification (germline): Uncertain significance (1 of 4 stars; one submission).

Conditions:
Werner syndrome (WRN). Identifiers: Orphanet 902, MedGen C0043119, MONDO:0010196, OMIM 277700.

Allele frequency attached by ClinVar (database versions not stated): TOPMed below 0.00001; gnomAD 0.00003 and 0.00002; gnomAD exomes below 0.00001.
gnomAD v4.1: 4 of 1,613,542 alleles (0.00025%); highest among the groups gnomAD compares: African/African-American, 0.0053%; no homozygotes.

Submission:

Labcorp Genetics (formerly Invitae), Labcorp
Classification: Uncertain significance for Werner syndrome. Last evaluated: 2023-03-20. Review status: criteria provided, single submitter. Criteria: Invitae Variant Classification Sherloc (09022015). Collection method: clinical testing. Allele origin: germline.
Comment: An algorithm developed to predict the effect of missense changes on protein structure and function (PolyPhen-2) suggests that this variant is likely to be disruptive. In summary, the available evidence is currently insufficient to determine the role of this variant in disease. Therefore, it has been classified as a Variant of Uncertain Significance. ClinVar contains an entry for this variant (Variation ID: 156353). This sequence change replaces lysine, which is basic and polar, with glutamic acid, which is acidic and polar, at codon 125 of the WRN protein (p.Lys125Glu). This variant is not present in population databases (gnomAD no frequency). This variant has not been reported in the literature in individuals affected with WRN-related conditions.